The following is an entry in ClinVar:

NM_000447.3(PSEN2):c.38T>C (p.Val13Ala)

Gene: PSEN2 (presenilin 2; plus strand). Cytogenetic location: 1q42.13.
Variant type: single nucleotide variant.
Coding change: c.38T>C on transcript NM_000447.3 (MANE Select); coding-DNA position 38, T replaced by C.
Protein change: p.Val13Ala; replaces valine 13 with alanine.
Molecular consequence: missense variant.
Genome position (GRCh38, 1-based): chr1:226,881,945, T>C. VCF-style: chr1-226881945-T-C. GRCh37 (hg19) VCF-style: chr1-227069646-T-C.
Other names: c.38T>C, p.Val13Ala (NM_012486.3); short protein forms V13A.
Identifiers: ClinVar variation 295987 (VCV000295987.11), dbSNP rs766853710, ClinGen allele CA10609253.
Genomic context (GRCh38, chr1:226,881,945, plus strand): 5'-CAGGTGCTTCCAGAGGCAGGGCTATGCTCACATTCATGGCCTCTGACAGCGAGGAAGAAG[T>C]GTGTGATGAGCGGACGTCCCTAATGTCGGCTGAGAGCCCCACGCCGCGCTCCTGCCAGGA-3'
Protein context (NP_000438.2, residues 3-23): TFMASDSEEE[Val13Ala]CDERTSLMSA

ClinVar aggregate classification (germline): Uncertain significance. Review status: criteria provided, multiple submitters, no conflicts (2 of 4 stars). 4 submissions from 3 submitters: Uncertain significance (4). Last evaluated 2025-08-12.

Conditions:
Inborn genetic diseases. Identifiers: MedGen C0950123, MeSH D030342.
Alzheimer disease 4 (AD4). Identifiers: Orphanet 1020, MedGen C1847200, MONDO:0011743, OMIM 606889.
Dilated cardiomyopathy 1V (CMD1V). Identifiers: Orphanet 154, MedGen C3150958, MONDO:0013373, OMIM 613697.

gnomAD v4.1: 2 of 1,613,960 alleles (0.00012%); highest among the groups gnomAD compares: Non-Finnish European, 0.00017%; no homozygotes.

Submissions (4):

Ambry Genetics
Classification: Uncertain significance for Inborn genetic diseases. Last evaluated: 2025-08-12. Review status: criteria provided, single submitter. Criteria: Ambry Variant Classification Scheme 2023. Collection method: clinical testing. Allele origin: germline.

Labcorp Genetics (formerly Invitae), Labcorp
Classification: Uncertain significance for Alzheimer disease 4. Last evaluated: 2022-06-28. Review status: criteria provided, single submitter. Criteria: Invitae Variant Classification Sherloc (09022015). Collection method: clinical testing. Allele origin: germline.
Comment: This variant is not present in population databases (gnomAD no frequency). This variant has not been reported in the literature in individuals affected with PSEN2-related conditions. ClinVar contains an entry for this variant (Variation ID: 295987). Algorithms developed to predict the effect of missense changes on protein structure and function output the following: SIFT: "Tolerated"; PolyPhen-2: "Benign"; Align-GVGD: "Class C0". The alanine amino acid residue is found in multiple mammalian species, which suggests that this missense change does not adversely affect protein function. In summary, the available evidence is currently insufficient to determine the role of this variant in disease. Therefore, it has been classified as a Variant of Uncertain Significance. This sequence change replaces valine, which is neutral and non-polar, with alanine, which is neutral and non-polar, at codon 13 of the PSEN2 protein (p.Val13Ala).

Illumina Laboratory Services, Illumina
Classification: Uncertain significance for Dilated cardiomyopathy 1V. Last evaluated: 2018-01-13. Review status: criteria provided, single submitter. Criteria: ICSL Variant Classification Criteria 13 December 2019. Collection method: clinical testing. Allele origin: germline.

Illumina Laboratory Services, Illumina
Classification: Uncertain significance for Alzheimer disease 4. Last evaluated: 2018-01-13. Review status: criteria provided, single submitter. Criteria: ICSL Variant Classification Criteria 13 December 2019. Collection method: clinical testing. Allele origin: germline.